The following is an entry in ClinVar:

NM_000016.6(ACADM):c.433T>C (p.Tyr145His)

Gene: ACADM (acyl-CoA dehydrogenase medium chain; plus strand). Cytogenetic location: 1p31.1.
Variant type: single nucleotide variant.
Coding change: c.433T>C on transcript NM_000016.6 (MANE Select); coding-DNA position 433, T replaced by C.
Protein change: p.Tyr145His; replaces tyrosine 145 with histidine.
Molecular consequence: missense variant. On other transcripts: intron variant (1).
Genome position (GRCh38, 1-based): chr1:75,734,836, T>C. VCF-style: chr1-75734836-T-C. GRCh37 (hg19) VCF-style: chr1-76200521-T-C.
Other names: c.532T>C, p.Tyr178His (NM_001286043.2); c.-100+1914T>C (NM_001286044.2); c.445T>C, p.Tyr149His (NM_001127328.3); c.325T>C, p.Tyr109His (NM_001286042.2); short protein forms Y149H, Y109H, Y145H, Y178H.
Identifiers: ClinVar variation 4699087 (VCV004699087.1).

ClinVar aggregate classification (germline): Uncertain significance (1 of 4 stars; one submission).

Conditions:
Medium-chain acyl-coenzyme A dehydrogenase deficiency (ACADMD). Also called: CARNITINE DEFICIENCY SECONDARY TO MEDIUM-CHAIN ACYL-CoA DEHYDROGENASE DEFICIENCY; MCADH DEFICIENCY; MCAD Deficiency; ACADM DEFICIENCY; Medium chain acyl-CoA dehydrogenase deficiency; MCADD. Identifiers: Orphanet 42, MedGen C0220710, MONDO:0008721, OMIM 201450.

gnomAD v4.1: 2 of 1,613,754 alleles (0.00012%); highest among the groups gnomAD compares: Non-Finnish European, 0.00017%; no homozygotes.

Submission:

Labcorp Genetics (formerly Invitae), Labcorp
Classification: Uncertain significance for Medium-chain acyl-coenzyme A dehydrogenase deficiency. Last evaluated: 2025-05-13. Review status: criteria provided, single submitter. Criteria: Invitae Variant Classification Sherloc (09022015). Collection method: clinical testing. Allele origin: germline.
Comment: This sequence change replaces tyrosine, which is neutral and polar, with histidine, which is basic and polar, at codon 145 of the ACADM protein (p.Tyr145His). This variant is not present in population databases (gnomAD no frequency). This missense change has been observed in individual(s) with a positive newborn screening result for ACADM-related disease (internal data). Invitae Evidence Modeling of protein sequence and biophysical properties (such as structural, functional, and spatial information, amino acid conservation, physicochemical variation, residue mobility, and thermodynamic stability) has been performed for this missense variant. However, the output from this modeling did not meet the statistical confidence thresholds required to predict the impact of this variant on ACADM protein function. In summary, the available evidence is currently insufficient to determine the role of this variant in disease. Therefore, it has been classified as a Variant of Uncertain Significance.